The following is an entry in ClinVar:

NM_005902.4(SMAD3):c.161C>G (p.Ala54Gly)

Gene: SMAD3 (SMAD family member 3; plus strand). Cytogenetic location: 15q22.33.
Variant type: single nucleotide variant.
Coding change: c.161C>G on transcript NM_005902.4 (MANE Select); coding-DNA position 161, C replaced by G.
Protein change: p.Ala54Gly; replaces alanine 54 with glycine.
Molecular consequence: missense variant.
Genome position (GRCh38, 1-based): chr15:67,066,315, C>G. VCF-style: chr15-67066315-C-G. GRCh37 (hg19) VCF-style: chr15-67358653-C-G.
Other names: c.161C>G, p.Ala54Gly (NM_001407011.1, NM_001407012.1, NM_001407013.1); short protein forms A54G.
Identifiers: ClinVar variation 2696774 (VCV002696774.3), dbSNP rs1243692313, ClinGen allele CA393203029.

ClinVar aggregate classification (germline): Uncertain significance (1 of 4 stars; one submission).

Conditions:
Familial thoracic aortic aneurysm and aortic dissection (TAAD). Also called: Thoracic aortic aneurysms and dissections. Identifiers: Orphanet 91387, MedGen C4707243, MONDO:0019625.

Submission:

Labcorp Genetics (formerly Invitae), Labcorp
Classification: Uncertain significance for Familial thoracic aortic aneurysm and aortic dissection. Last evaluated: 2023-11-17. Review status: criteria provided, single submitter. Criteria: Invitae Variant Classification Sherloc (09022015). Collection method: clinical testing. Allele origin: germline.
Comment: This sequence change replaces alanine, which is neutral and non-polar, with glycine, which is neutral and non-polar, at codon 54 of the SMAD3 protein (p.Ala54Gly). This variant is not present in population databases (gnomAD no frequency). This variant has not been reported in the literature in individuals affected with SMAD3-related conditions. Advanced modeling of protein sequence and biophysical properties (such as structural, functional, and spatial information, amino acid conservation, physicochemical variation, residue mobility, and thermodynamic stability) performed at Invitae indicates that this missense variant is expected to disrupt SMAD3 protein function with a positive predictive value of 80%. In summary, the available evidence is currently insufficient to determine the role of this variant in disease. Therefore, it has been classified as a Variant of Uncertain Significance.